The following is an entry in ClinVar:

NM_033427.3(CTTNBP2):c.2760T>C (p.Ala920=)

Gene: CTTNBP2 (cortactin binding protein 2; minus strand). Cytogenetic location: 7q31.31.
Variant type: single nucleotide variant.
Coding change: c.2760T>C on transcript NM_033427.3 (MANE Select); coding-DNA position 2760, T replaced by C.
Protein change: p.Ala920=; no amino-acid change (alanine 920 retained).
Molecular consequence: synonymous variant.
Genome position (GRCh38, 1-based): chr7:117,777,529, A>G on the plus strand (T>C on the coding strand, the complement: CTTNBP2 is on the minus strand). VCF-style: chr7-117777529-A-G. GRCh37 (hg19) VCF-style: chr7-117417583-A-G.
Other names: c.2706T>C, p.Ala902= (NM_001363349.1); c.663T>C, p.Ala221= (NM_001363350.1, NM_001363351.1).
Identifiers: ClinVar variation 3046569 (VCV003046569.2), dbSNP rs559857978, ClinGen allele CA4452400.

ClinVar aggregate classification (germline): Likely benign (0 of 4 stars; one submission).

Conditions:
CTTNBP2-related disorder. Also called: CTTNBP2-related condition.

Allele frequency attached by ClinVar (database versions not stated): TOPMed below 0.00001; gnomAD 0.00009; gnomAD exomes 0.00010; ExAC 0.00031; 1000 Genomes Project 0.00100; 1000 Genomes Project 30x 0.00109.
gnomAD v4.1: 165 of 1,613,300 alleles (0.01%); highest among the groups gnomAD compares: South Asian, 0.17%; 3 homozygotes.

Submission:

PreventionGenetics, part of Exact Sciences
Classification: Likely benign for CTTNBP2-related condition. Last evaluated: 2019-04-19. Review status: no assertion criteria provided. Collection method: clinical testing. Allele origin: germline.
Comment: This variant is classified as likely benign based on ACMG/AMP sequence variant interpretation guidelines (Richards et al. 2015 PMID: 25741868, with internal and published modifications).